The following is an entry in ClinVar:

NM_198994.3(TGM6):c.1270A>C (p.Ile424Leu)

Gene: TGM6 (transglutaminase 6; plus strand). Cytogenetic location: 20p13.
Variant type: single nucleotide variant.
Coding change: c.1270A>C on transcript NM_198994.3 (MANE Select); coding-DNA position 1270, A replaced by C.
Protein change: p.Ile424Leu; replaces isoleucine 424 with leucine.
Molecular consequence: missense variant.
Genome position (GRCh38, 1-based): chr20:2,403,757, A>C. VCF-style: chr20-2403757-A-C. GRCh37 (hg19) VCF-style: chr20-2384403-A-C.
Other names: c.1270A>C, p.Ile424Leu (NM_001254734.2); short protein forms I424L.
Identifiers: ClinVar variation 995038 (VCV000995038.4), dbSNP rs745804281, ClinGen allele CA9732029.
Genomic context (GRCh38, chr20:2,403,757, plus strand): 5'-TGGCACGAGGATGAGAGCCGGGAGCGTGTATACTCAAACACGAAGAAGATTGGGAGATGC[A>C]TCAGCACCAAGGCGGTGGGCAGTGACTCCCGCGTGGACATCACTGACCTCTACAAGTATC-3'
Protein context (NP_945345.2, residues 414-434): YSNTKKIGRC[Ile424Leu]STKAVGSDSR

ClinVar aggregate classification (germline): Conflicting classifications of pathogenicity. Review status: criteria provided, conflicting classifications (1 of 4 stars). 2 submissions from 2 submitters: Uncertain significance (1); Likely benign (1). Last evaluated 2025-10-01.

Conditions:
TGM6-related disorder. Also called: TGM6-related condition.

Allele frequency attached by ClinVar (database versions not stated): gnomAD exomes 0.00003 and 0.00005; gnomAD 0.00004 and 0.00003; ExAC 0.00005; TOPMed below 0.00001.
gnomAD v4.1: 23 of 1,614,130 alleles (0.0014%); highest among the groups gnomAD compares: Admixed American, 0.0017%; no homozygotes.

Submissions (2):

PreventionGenetics, part of Exact Sciences
Classification: Uncertain significance for TGM6-related condition. Last evaluated: 2025-10-01. Review status: criteria provided, single submitter. Criteria: ACMG Guidelines, 2015. Collection method: clinical testing. Allele origin: germline.
Comment: The TGM6 c.1270A>C variant is predicted to result in the amino acid substitution p.Ile424Leu. To our knowledge, this variant has not been reported in the literature. This variant is reported in 0.048% of alleles in individuals of European (Finnish) descent in gnomAD. At this time, the clinical significance of this variant is uncertain due to the absence of conclusive functional and genetic evidence.

Athena Diagnostics
Classification: Likely benign. Last evaluated: 2020-08-26. Review status: criteria provided, single submitter. Criteria: Athena Diagnostics criteria. Collection method: clinical testing. Allele origin: unknown.